The following is an entry in ClinVar:

ClinVar aggregate classification (germline): Uncertain significance. Review status: criteria provided, multiple submitters, no conflicts (2 of 4 stars). 6 submissions from 6 submitters: Uncertain significance (6). Last evaluated 2026-07-28.

Conditions:
AXIN2-related disorder.
Oligodontia-cancer predisposition syndrome. Also called: TOOTH AGENESIS-COLORECTAL CANCER SYNDROME. Identifiers: Orphanet 300576, MedGen C1837750, MONDO:0012075, OMIM 608615. Disease mechanism: loss of function.
Colorectal cancer. Also called: Colorectal cancer, somatic; Malignant Colorectal Neoplasm. Identifiers: MedGen C0346629, MONDO:0005575, OMIM 114500.
Hereditary cancer-predisposing syndrome. Also called: Neoplastic Syndromes, Hereditary; Tumor predisposition; Hereditary Cancer Syndrome; Hereditary neoplastic syndrome. Identifiers: Orphanet 140162, MedGen C0027672, MeSH D009386, MONDO:0015356.

Allele frequency attached by ClinVar (database versions not stated): gnomAD 0.00001 and 0.00002; gnomAD exomes 0.00002 and 0.00007; ExAC 0.00003; TOPMed 0.00003.
gnomAD v4.1: 99 of 1,609,562 alleles (0.0062%); highest among the groups gnomAD compares: Non-Finnish European, 0.0081%; no homozygotes.

Submissions (6):

PreventionGenetics, part of Exact Sciences
Classification: Uncertain significance for AXIN2-related condition. Last evaluated: 2026-07-28. Review status: criteria provided, single submitter. Criteria: ACMG Guidelines, 2015. Collection method: clinical testing. Allele origin: germline.
Comment: The AXIN2 c.1747G>A variant is predicted to result in the amino acid substitution p.Gly583Arg. To our knowledge, this variant has not been reported in the literature. This variant is reported in 0.0041% of alleles in individuals of African descent in gnomAD. This variant is classified as uncertain in ClinVar (Variation ID: 408773). At this time, the clinical significance of this variant is uncertain due to the absence of conclusive functional and genetic evidence.

Labcorp Genetics (formerly Invitae), Labcorp
Classification: Uncertain significance for Oligodontia-cancer predisposition syndrome. Last evaluated: 2026-01-26. Review status: criteria provided, single submitter. Criteria: Invitae Variant Classification Sherloc (09022015). Collection method: clinical testing. Allele origin: germline.
Comment: This sequence change replaces glycine, which is neutral and non-polar, with arginine, which is basic and polar, at codon 583 of the AXIN2 protein (p.Gly583Arg). This variant is present in population databases (rs748860876, gnomAD 0.004%). This variant has not been reported in the literature in individuals affected with AXIN2-related conditions. ClinVar contains an entry for this variant (Variation ID: 408773). Invitae Evidence Modeling of protein sequence and biophysical properties (such as structural, functional, and spatial information, amino acid conservation, physicochemical variation, residue mobility, and thermodynamic stability) indicates that this missense variant is not expected to disrupt AXIN2 protein function with a negative predictive value of 80%. Studies have shown that this missense change is associated with inconclusive levels of altered splicing (internal data). In summary, the available evidence is currently insufficient to determine the role of this variant in disease. Therefore, it has been classified as a Variant of Uncertain Significance.

GeneDx
Classification: Uncertain significance. Last evaluated: 2025-07-28. Review status: criteria provided, single submitter. Criteria: GeneDx Variant Classification Process June 2021. Collection method: clinical testing. Allele origin: germline. Affected: yes.
Comment: In silico analysis suggests that this missense variant does not alter protein structure/function; Has not been previously published as pathogenic or benign to our knowledge

Ambry Genetics
Classification: Uncertain significance for Hereditary cancer-predisposing syndrome. Last evaluated: 2025-07-04. Review status: criteria provided, single submitter. Criteria: Ambry Variant Classification Scheme 2023. Collection method: clinical testing. Allele origin: germline.

Fulgent Genetics
Classification: Uncertain significance for Colorectal cancer; Oligodontia-cancer predisposition syndrome. Last evaluated: 2024-03-18. Review status: criteria provided, single submitter. Criteria: ACMG Guidelines, 2015. Collection method: clinical testing. Allele origin: germline.

Baylor Genetics
Classification: Uncertain significance for Colorectal cancer. Last evaluated: 2023-08-15. Review status: criteria provided, single submitter. Criteria: ACMG Guidelines, 2015. Collection method: clinical testing. Allele origin: unknown.

NM_004655.4(AXIN2):c.1747G>A (p.Gly583Arg)

Gene: AXIN2 (axin 2; minus strand). Cytogenetic location: 17q24.1.
Variant type: single nucleotide variant.
Coding change: c.1747G>A on transcript NM_004655.4 (MANE Select); coding-DNA position 1747, G replaced by A.
Protein change: p.Gly583Arg; replaces glycine 583 with arginine.
Molecular consequence: missense variant. On other transcripts: intron variant (1).
Genome position (GRCh38, 1-based): chr17:65,537,029, C>T on the plus strand (G>A on the coding strand, the complement: AXIN2 is on the minus strand). VCF-style: chr17-65537029-C-T. GRCh37 (hg19) VCF-style: chr17-63533147-C-T.
Other names: c.1747G>A (LRG_296t1); c.1712+295G>A (NM_001363813.1); short protein forms G583R.
Identifiers: ClinVar variation 408773 (VCV000408773.24), dbSNP rs748860876, ClinGen allele CA8718537.